The following is an entry in ClinVar:

ClinVar aggregate classification (germline): Uncertain significance. Review status: criteria provided, multiple submitters, no conflicts (2 of 4 stars). 2 submissions from 2 submitters: Uncertain significance (2). Last evaluated 2024-04-07.

Conditions:
Hypertrophic cardiomyopathy. Also called: HYPERTROPHIC MYOCARDIOPATHY. Identifiers: Orphanet 217569, MedGen C0007194, MeSH D002312, MONDO:0005045, HP:0001639.
Cardiomyopathy (CMYO). Also called: Cardiomyopathies. Identifiers: Orphanet 167848, MedGen C0878544, MONDO:0004994, HP:0001638. Inheritance: Various modes of inheritance.

Allele frequency attached by ClinVar (database versions not stated): TOPMed below 0.00001; gnomAD 0.00001; gnomAD exomes 0.00001.
gnomAD v4.1: 11 of 1,609,728 alleles (0.00068%); highest among the groups gnomAD compares: Middle Eastern, 0.016%; no homozygotes.

Submissions (2):

Color Diagnostics, LLC DBA Color Health
Classification: Uncertain significance for Cardiomyopathy. Last evaluated: 2024-04-07. Review status: criteria provided, single submitter. Criteria: ACMG Guidelines, 2015. Collection method: clinical testing. Allele origin: germline.
Comment: This missense variant replaces threonine with isoleucine at codon 33 of the MYBPC3 protein. Computational prediction suggests that this variant may not impact protein structure and function (internally defined REVEL score threshold <= 0.5, PMID: 27666373). To our knowledge, functional studies have not been reported for this variant. This variant has not been reported in individuals affected with MYBPC3-related disorders in the literature. This variant has not been identified in the general population by the Genome Aggregation Database (gnomAD). The available evidence is insufficient to determine the role of this variant in disease conclusively. Therefore, this variant is classified as a Variant of Uncertain Significance.

Labcorp Genetics (formerly Invitae), Labcorp
Classification: Uncertain significance for Hypertrophic cardiomyopathy. Last evaluated: 2024-03-13. Review status: criteria provided, single submitter. Criteria: Invitae Variant Classification Sherloc (09022015). Collection method: clinical testing. Allele origin: germline.
Comment: This sequence change replaces threonine, which is neutral and polar, with isoleucine, which is neutral and non-polar, at codon 33 of the MYBPC3 protein (p.Thr33Ile). This variant is not present in population databases (gnomAD no frequency). This variant has not been reported in the literature in individuals affected with MYBPC3-related conditions. ClinVar contains an entry for this variant (Variation ID: 1977958). An algorithm developed to predict the effect of missense changes on protein structure and function (PolyPhen-2) suggests that this variant is likely to be disruptive. In summary, the available evidence is currently insufficient to determine the role of this variant in disease. Therefore, it has been classified as a Variant of Uncertain Significance.

NM_000256.3(MYBPC3):c.98C>T (p.Thr33Ile)

Gene: MYBPC3 (myosin binding protein C3; minus strand). Cytogenetic location: 11p11.2.
Variant type: single nucleotide variant.
Coding change: c.98C>T on transcript NM_000256.3 (MANE Select); coding-DNA position 98, C replaced by T.
Protein change: p.Thr33Ile; replaces threonine 33 with isoleucine.
Molecular consequence: missense variant.
Genome position (GRCh38, 1-based): chr11:47,351,433, G>A on the plus strand (C>T on the coding strand, the complement: MYBPC3 is on the minus strand). VCF-style: chr11-47351433-G-A. GRCh37 (hg19) VCF-style: chr11-47372984-G-A.
Other names: short protein forms T33I.
Identifiers: ClinVar variation 1977958 (VCV001977958.5), dbSNP rs2095900926, ClinGen allele CA380341930.
Genomic context (GRCh38, chr11:47,351,433, plus strand): 5'-TTGCTGGCGCTGATGTCACTGCCTCCGCGCTGCCAGCGCACCTTCACTCCTGCCCGCTCT[G>A]TCTCGGCCTCGAACACGGCAGGGCTGCCTGCGGCCACTTCCACTGACCGTGGCTTCTTGC-3'
Protein context (NP_000247.2, residues 23-43): AGSPAVFEAE[Thr33Ile]ERAGVKVRWQ